The following is an entry in ClinVar:

ClinVar aggregate classification (germline): Uncertain significance. Review status: criteria provided, multiple submitters, no conflicts (2 of 4 stars). 2 submissions from 2 submitters: Uncertain significance (2). Last evaluated 2025-08-24.

Conditions:
Hereditary cancer-predisposing syndrome. Also called: Tumor predisposition; Hereditary Cancer Syndrome; Neoplastic Syndromes, Hereditary; Hereditary neoplastic syndrome. Identifiers: Orphanet 140162, MedGen C0027672, MeSH D009386, MONDO:0015356.
Tuberous sclerosis 1 (TSC1). Identifiers: Orphanet 805, MedGen C1854465, MONDO:0008612, OMIM 191100.

Allele frequency attached by ClinVar (database versions not stated): gnomAD exomes below 0.00001.
gnomAD v4.1: 1 of 1,614,214 alleles (0.000062%); highest among the groups gnomAD compares: Admixed American, 0.0017%; no homozygotes.

Submissions (2):

Ambry Genetics
Classification: Uncertain significance for Hereditary cancer-predisposing syndrome. Last evaluated: 2025-08-24. Review status: criteria provided, single submitter. Criteria: Ambry Variant Classification Scheme 2023. Collection method: clinical testing. Allele origin: germline.

Labcorp Genetics (formerly Invitae), Labcorp
Classification: Uncertain significance for Tuberous sclerosis 1. Last evaluated: 2021-02-19. Review status: criteria provided, single submitter. Criteria: Invitae Variant Classification Sherloc (09022015). Collection method: clinical testing. Allele origin: germline.
Comment: In summary, the available evidence is currently insufficient to determine the role of this variant in disease. Therefore, it has been classified as a Variant of Uncertain Significance. Algorithms developed to predict the effect of missense changes on protein structure and function are either unavailable or do not agree on the potential impact of this missense change (SIFT: "Deleterious"; PolyPhen-2: "Probably Damaging"; Align-GVGD: "Class C0"). This variant has not been reported in the literature in individuals with TSC1-related conditions. This variant is not present in population databases (ExAC no frequency). This sequence change replaces glutamine with proline at codon 940 of the TSC1 protein (p.Gln940Pro). The glutamine residue is moderately conserved and there is a moderate physicochemical difference between glutamine and proline.

NM_000368.5(TSC1):c.2819A>C (p.Gln940Pro)

Gene: TSC1 (TSC complex subunit 1; minus strand). Cytogenetic location: 9q34.13.
Variant type: single nucleotide variant.
Coding change: c.2819A>C on transcript NM_000368.5 (MANE Select); coding-DNA position 2819, A replaced by C.
Protein change: p.Gln940Pro; replaces glutamine 940 with proline.
Molecular consequence: missense variant.
Genome position (GRCh38, 1-based): chr9:132,897,340, T>G on the plus strand (A>C on the coding strand, the complement: TSC1 is on the minus strand). VCF-style: chr9-132897340-T-G. GRCh37 (hg19) VCF-style: chr9-135772727-T-G.
Other names: c.2456A>C, p.Gln819Pro (NM_001362177.2); c.2816A>C, p.Gln939Pro (NM_001162426.2); c.2666A>C, p.Gln889Pro (NM_001162427.2); c.2819A>C (NM_000368.4); short protein forms Q819P, Q889P, Q939P, Q940P.
Identifiers: ClinVar variation 1015362 (VCV001015362.9), dbSNP rs1845131755, ClinGen allele CA375368940.